The following is an entry in ClinVar:

ClinVar aggregate classification (germline): Uncertain significance (1 of 4 stars; one submission).

Conditions:
Multiple congenital anomalies-hypotonia-seizures syndrome 2 (MCAHS2). Also called: GLYCOSYLPHOSPHATIDYLINOSITOL BIOSYNTHESIS DEFECT 4; EPILEPTIC ENCEPHALOPATHY, EARLY INFANTILE, 20. Identifiers: Orphanet 300496, MedGen C3275508, MONDO:0010466, OMIM 300868.

Submission:

Labcorp Genetics (formerly Invitae), Labcorp
Classification: Uncertain significance for Multiple congenital anomalies-hypotonia-seizures syndrome 2. Last evaluated: 2022-08-10. Review status: criteria provided, single submitter. Criteria: Invitae Variant Classification Sherloc (09022015). Collection method: clinical testing. Allele origin: germline.
Comment: In summary, the available evidence is currently insufficient to determine the role of this variant in disease. Therefore, it has been classified as a Variant of Uncertain Significance. Algorithms developed to predict the effect of missense changes on protein structure and function (SIFT, PolyPhen-2, Align-GVGD) all suggest that this variant is likely to be tolerated. ClinVar contains an entry for this variant (Variation ID: 1374592). This variant has not been reported in the literature in individuals affected with PIGA-related conditions. This variant is not present in population databases (gnomAD no frequency). This sequence change replaces asparagine, which is neutral and polar, with serine, which is neutral and polar, at codon 76 of the PIGA protein (p.Asn76Ser).

NM_002641.4(PIGA):c.227A>G (p.Asn76Ser)

Gene: PIGA (phosphatidylinositol glycan anchor biosynthesis class A; minus strand). Cytogenetic location: Xp22.2.
Variant type: single nucleotide variant.
Coding change: c.227A>G on transcript NM_002641.4 (MANE Select); coding-DNA position 227, A replaced by G.
Protein change: p.Asn76Ser; replaces asparagine 76 with serine.
Molecular consequence: missense variant. On other transcripts: non-coding transcript variant (1), intron variant (1).
Genome position (GRCh38, 1-based): chrX:15,331,704, T>C on the plus strand (A>G on the coding strand, the complement: PIGA is on the minus strand). VCF-style: chrX-15331704-T-C. GRCh37 (hg19) VCF-style: chrX-15349826-T-C.
Other names: c.13+3797A>G (NM_020473.3); short protein forms N76S.
Identifiers: ClinVar variation 1374592 (VCV001374592.8), dbSNP rs2147723949, ClinGen allele CA412340965.